The following is an entry in ClinVar:

ClinVar aggregate classification (germline): Benign. Review status: criteria provided, multiple submitters, no conflicts (2 of 4 stars). 2 submissions from 2 submitters: Benign (2). Last evaluated 2024-07-15.

Allele frequency attached by ClinVar (database versions not stated): 1000 Genomes Project 30x 0.13710; 1000 Genomes Project 0.13818; TOPMed 0.16167; gnomAD 0.16620 and 0.16689.

Submissions (2):

Unidad de Genómica Garrahan, Hospital de Pediatría Garrahan
Classification: Benign. Last evaluated: 2024-07-15. Review status: criteria provided, single submitter. Criteria: ACMG Guidelines, 2015. Collection method: clinical testing. Allele origin: germline. Affected: no. Observed: 20 variant alleles.
Comment: This variant is classified as Benign based on local population frequency. This variant was detected in 22% of patients studied in a panel designed for Epileptic and Developmental Encephalopathy and Progressive Myoclonus Epilepsy. Number of patients: 20. Only high quality variants are reported.

GeneDx
Classification: Benign. Last evaluated: 2018-06-19. Review status: criteria provided, single submitter. Criteria: GeneDx Variant Classification (06012015). Collection method: clinical testing. Allele origin: germline. Affected: yes.
Comment: This variant is considered likely benign or benign based on one or more of the following criteria: it is a conservative change, it occurs at a poorly conserved position in the protein, it is predicted to be benign by multiple in silico algorithms, and/or has population frequency not consistent with disease.

NM_001182.5(ALDH7A1):c.1318-86G>A

Gene: ALDH7A1 (aldehyde dehydrogenase 7 family member A1; minus strand). Cytogenetic location: 5q23.2.
Variant type: single nucleotide variant.
Coding change: c.1318-86G>A on transcript NM_001182.5 (MANE Select); 86 bases into the intron before coding-DNA position 1318, G replaced by A.
Molecular consequence: intron variant.
Genome position (GRCh38, 1-based): chr5:126,550,379, C>T on the plus strand (G>A on the coding strand, the complement: ALDH7A1 is on the minus strand). VCF-style: chr5-126550379-C-T. GRCh37 (hg19) VCF-style: chr5-125886071-C-T.
Other names: c.1126-86G>A (NM_001202404.2); c.1234-86G>A (NM_001201377.2).
Identifiers: ClinVar variation 670821 (VCV000670821.3), dbSNP rs1038381, ClinGen allele CA15375928.